The following is an entry in ClinVar:

NM_006129.5(BMP1):c.2575+14T>C

Gene: BMP1 (bone morphogenetic protein 1; plus strand). Cytogenetic location: 8p21.3.
Variant type: single nucleotide variant.
Coding change: c.2575+14T>C on transcript NM_006129.5 (MANE Select); 14 bases into the intron after coding-DNA position 2575, T replaced by C.
Molecular consequence: intron variant.
Genome position (GRCh38, 1-based): chr8:22,207,530, T>C. VCF-style: chr8-22207530-T-C. GRCh37 (hg19) VCF-style: chr8-22065043-T-C.
Identifiers: ClinVar variation 362599 (VCV000362599.16), dbSNP rs28374147, ClinGen allele CA4665298.
Genomic context (GRCh38, chr8:22,207,530, plus strand): 5'-AGATAACTCGGTCCAGCGAAAGGGCTTCCAGGCCTCCCACGCCACAGGTACTGTCCCCGG[T>C]TGTGGGAGTGTTCACTGAGCCTGGTCTCCAAGACTGGGGTAGAGTCGGGGGTTTCAATGC-3'

ClinVar aggregate classification (germline): Benign. Review status: criteria provided, multiple submitters, no conflicts (2 of 4 stars). 5 submissions from 5 submitters: Benign (5). Last evaluated 2026-02-04.

Conditions:
Osteogenesis imperfecta type 13. Also called: OI, TYPE XIII; Osteogenesis imperfecta, type xiii. Identifiers: Orphanet 666, MedGen C3553887, MONDO:0013924, OMIM 614856.

Allele frequency attached by ClinVar (database versions not stated): gnomAD exomes 0.00260 and 0.00702; ExAC 0.00819; gnomAD 0.02810 and 0.03056; ESP Exome Variant Server 0.02944; TOPMed 0.03176; 1000 Genomes Project 0.03215; 1000 Genomes Project 30x 0.03279.
gnomAD v4.1: 8,271 of 1,610,266 alleles (0.51%); highest among the groups gnomAD compares: African/African-American, 9.6%; 339 homozygotes.

Submissions (5):

Labcorp Genetics (formerly Invitae), Labcorp
Classification: Benign. Last evaluated: 2026-02-04. Review status: criteria provided, single submitter. Criteria: Invitae Variant Classification Sherloc (09022015). Collection method: clinical testing. Allele origin: germline.

ARUP Laboratories, Molecular Genetics and Genomics, ARUP Laboratories
Classification: Benign for Osteogenesis imperfecta type 13. Last evaluated: 2025-05-02. Review status: criteria provided, single submitter. Criteria: ARUP Molecular Germline Variant Investigation Process 2024. Collection method: clinical testing. Allele origin: germline.

GeneDx
Classification: Benign. Last evaluated: 2018-01-18. Review status: criteria provided, single submitter. Criteria: GeneDx Variant Classification (06012015). Collection method: clinical testing. Allele origin: germline. Affected: yes.
Comment: This variant is considered likely benign or benign based on one or more of the following criteria: it is a conservative change, it occurs at a poorly conserved position in the protein, it is predicted to be benign by multiple in silico algorithms, and/or has population frequency not consistent with disease.

Illumina Laboratory Services, Illumina
Classification: Benign for Osteogenesis imperfecta type 13. Last evaluated: 2018-01-13. Review status: criteria provided, single submitter. Criteria: ICSL Variant Classification Criteria 13 December 2019. Collection method: clinical testing. Allele origin: germline.
Comment: This variant was observed in the ICSL laboratory as part of a predisposition screen in an ostensibly healthy population. It had not been previously curated by ICSL or reported in the Human Gene Mutation Database (HGMD: prior to June 1st, 2018), and was therefore a candidate for classification through an automated scoring system. Utilizing variant allele frequency, disease prevalence and penetrance estimates, and inheritance mode, an automated score was calculated to assess if this variant is too frequent to cause the disease. Based on the score and internal cut-off values, a variant classified as benign is not then subjected to further curation. The score for this variant resulted in a classification of benign for this disease.

Breakthrough Genomics
Classification: Benign. Review status: criteria provided, single submitter. Criteria: ACMG Guidelines, 2015. Collection method: not provided. Allele origin: germline. Inheritance: Autosomal recessive inheritance. Affected: yes.